The following is an entry in ClinVar:

ClinVar aggregate classification (germline): Uncertain significance (1 of 4 stars; one submission).

Submission:

Labcorp Genetics (formerly Invitae), Labcorp
Classification: Uncertain significance. Last evaluated: 2024-07-01. Review status: criteria provided, single submitter. Criteria: Invitae Variant Classification Sherloc (09022015). Collection method: clinical testing. Allele origin: germline.
Comment: This sequence change replaces glycine, which is neutral and non-polar, with alanine, which is neutral and non-polar, at codon 9 of the AUTS2 protein (p.Gly9Ala). This variant is not present in population databases (gnomAD no frequency). This variant has not been reported in the literature in individuals affected with AUTS2-related conditions. An algorithm developed to predict the effect of missense changes on protein structure and function (PolyPhen-2) suggests that this variant is likely to be disruptive. In summary, the available evidence is currently insufficient to determine the role of this variant in disease. Therefore, it has been classified as a Variant of Uncertain Significance.

NM_015570.4(AUTS2):c.26G>C (p.Gly9Ala)

Gene: AUTS2 (activator of transcription and developmental regulator AUTS2; plus strand). Cytogenetic location: 7q11.22.
Variant type: single nucleotide variant.
Coding change: c.26G>C on transcript NM_015570.4 (MANE Select); coding-DNA position 26, G replaced by C.
Protein change: p.Gly9Ala; replaces glycine 9 with alanine.
Molecular consequence: missense variant.
Genome position (GRCh38, 1-based): chr7:69,599,679, G>C. VCF-style: chr7-69599679-G-C. GRCh37 (hg19) VCF-style: chr7-69064665-G-C.
Other names: c.26G>C, p.Gly9Ala (NM_001127231.3, NM_001127232.3); short protein forms G9A.
Identifiers: ClinVar variation 3609869 (VCV003609869.2).